The following is an entry in ClinVar:

ClinVar aggregate classification (germline): Uncertain significance. Review status: criteria provided, multiple submitters, no conflicts (2 of 4 stars). 4 submissions from 4 submitters: Uncertain significance (4). Last evaluated 2022-08-01.

Conditions:
Muscular dystrophy-dystroglycanopathy (congenital with impaired intellectual development), type B, 3. Also called: Muscular dystrophy-dystroglycanopathy (congenital with intellectual disability), type B3; MUSCULAR DYSTROPHY, CONGENITAL, POMGNT1-RELATED. Identifiers: MedGen C3150412, MONDO:0013155, OMIM 613151.
Autosomal recessive limb-girdle muscular dystrophy type 2O. Also called: MUSCULAR DYSTROPHY-DYSTROGLYCANOPATHY, LIMB-GIRDLE, POMGNT1-RELATED; Limb-Girdle Muscular Dystrophy Type 3C; MUSCULAR DYSTROPHY-DYSTROGLYCANOPATHY (LIMB-GIRDLE), TYPE C, 3. Identifiers: Orphanet 206564, MedGen C3150417, MONDO:0013161, OMIM 613157.

Allele frequency attached by ClinVar (database versions not stated): gnomAD 0.00009; TOPMed 0.00009; ESP Exome Variant Server 0.00008; ExAC 0.00006.
gnomAD v4.1: 45 of 1,614,078 alleles (0.0028%); highest among the groups gnomAD compares: African/African-American, 0.017%; no homozygotes.

Submissions (4):

Labcorp Genetics (formerly Invitae), Labcorp
Classification: Uncertain significance for Autosomal recessive limb-girdle muscular dystrophy type 2O; Muscular dystrophy-dystroglycanopathy (congenital with impaired intellectual development), type B, 3. Last evaluated: 2022-08-01. Review status: criteria provided, single submitter. Criteria: Invitae Variant Classification Sherloc (09022015). Collection method: clinical testing. Allele origin: germline.
Comment: This sequence change replaces arginine, which is basic and polar, with cysteine, which is neutral and slightly polar, at codon 320 of the POMGNT1 protein (p.Arg320Cys). This variant is present in population databases (rs373777515, gnomAD 0.02%). This variant has not been reported in the literature in individuals affected with POMGNT1-related conditions. ClinVar contains an entry for this variant (Variation ID: 286005). Advanced modeling of protein sequence and biophysical properties (such as structural, functional, and spatial information, amino acid conservation, physicochemical variation, residue mobility, and thermodynamic stability) performed at Invitae indicates that this missense variant is not expected to disrupt POMGNT1 protein function. Algorithms developed to predict the effect of sequence changes on RNA splicing suggest that this variant may create or strengthen a splice site. In summary, the available evidence is currently insufficient to determine the role of this variant in disease. Therefore, it has been classified as a Variant of Uncertain Significance.

Revvity Omics, Revvity
Classification: Uncertain significance. Last evaluated: 2020-06-16. Review status: criteria provided, single submitter. Criteria: ACMG Guidelines, 2015. Collection method: clinical testing. Allele origin: germline.

Blueprint Genetics
Classification: Uncertain significance. Last evaluated: 2020-03-26. Review status: criteria provided, single submitter. Criteria: ACMG Guidelines, 2015. Collection method: clinical testing. Allele origin: germline.

Eurofins Ntd Llc (ga)
Classification: Uncertain significance. Last evaluated: 2016-02-02. Review status: criteria provided, single submitter. Criteria: EGL Classification Definitions 2015. Collection method: clinical testing. Allele origin: germline. Observed: 2 variant alleles, 2 heterozygotes.

NM_017739.4(POMGNT1):c.958C>T (p.Arg320Cys)

Genes: POMGNT1 (protein O-linked mannose N-acetylglucosaminyltransferase 1 (beta 1,2-); minus strand), TSPAN1 (tetraspanin 1; plus strand). Cytogenetic location: 1p34.1.
Variant type: single nucleotide variant.
Coding change: c.958C>T on transcript NM_017739.4 (MANE Select); coding-DNA position 958, C replaced by T.
Protein change: p.Arg320Cys; replaces arginine 320 with cysteine.
Molecular consequence: missense variant.
Genome position (GRCh38, 1-based): chr1:46,193,632, G>A on the plus strand (C>T on the coding strand, the complement: POMGNT1 is on the minus strand). VCF-style: chr1-46193632-G-A. GRCh37 (hg19) VCF-style: chr1-46659304-G-A.
Other names: c.958C>T, p.Arg320Cys (NM_001243766.2, NM_001410783.1); c.892C>T, p.Arg298Cys (NM_001290129.3); c.529C>T, p.Arg177Cys (NM_001290130.2); short protein forms R320C, R298C, R177C.
Identifiers: ClinVar variation 286005 (VCV000286005.10), dbSNP rs373777515, ClinGen allele CA833547.